The following is an entry in ClinVar:

NM_003073.5(SMARCB1):c.34C>T (p.Gln12Ter)

Gene: SMARCB1 (SWI/SNF related BAF chromatin remodeling complex subunit B1; plus strand). Cytogenetic location: 22q11.23.
Variant type: single nucleotide variant.
Coding change: c.34C>T on transcript NM_003073.5 (MANE Select); coding-DNA position 34, C replaced by T.
Protein change: p.Gln12Ter; replaces glutamine 12 with a stop codon.
Molecular consequence: nonsense.
Genome position (GRCh38, 1-based): chr22:23,787,203, C>T. VCF-style: chr22-23787203-C-T. GRCh37 (hg19) VCF-style: chr22-24129390-C-T.
Other names: c.34C>T, p.Gln12Ter (NM_001007468.3, NM_001317946.2, NM_001362877.2 and 1 more transcripts); c.34C>T (NM_003073.3); short protein forms Q12*.
Identifiers: ClinVar variation 8026 (VCV000008026.6), dbSNP rs74315513, ClinGen allele CA119228.

ClinVar aggregate classification (germline): Pathogenic. Review status: criteria provided, multiple submitters, no conflicts (2 of 4 stars). 3 submissions from 3 submitters: Pathogenic (2). 1 of the submissions does not count toward it. Last evaluated 2023-05-19.

Conditions:
Hereditary cancer-predisposing syndrome. Also called: Neoplastic Syndromes, Hereditary; Tumor predisposition; Hereditary neoplastic syndrome; Hereditary Cancer Syndrome. Identifiers: Orphanet 140162, MedGen C0027672, MeSH D009386, MONDO:0015356.
SMARCB1-related schwannomatosis. Also called: Schwannomatosis 1; SWNTS1. Identifiers: Orphanet 93921, MedGen C4048809, MONDO:0024517, OMIM 162091. Disease mechanism: loss of function.

Submissions (3):

Ambry Genetics
Classification: Pathogenic for Hereditary cancer-predisposing syndrome. Last evaluated: 2023-05-19. Review status: criteria provided, single submitter. Criteria: Ambry Variant Classification Scheme 2023. Collection method: clinical testing. Allele origin: germline.
Comment: The p.Q12* pathogenic mutation (also known as c.34C>T), located in coding exon 1 of the SMARCB1 gene, results from a C to T substitution at nucleotide position 34. This changes the amino acid from a glutamine to a stop codon within coding exon 1. This alteration has been reported in several individuals with multiple schwannomas and/or clinical diagnoses of schwannomatosis (Hulsebos TJ et al. Am J Hum Genet, 2007 Apr;80:805-10; Smith MJ et al. Neurogenetics, 2012 May;13:141-5; Louvrier C et al. Neuro Oncol, 2018 Jun;20:917-929; Rousseau G et al. BMC Neurol, 2011 Jan;11:9; Ambry internal data). In addition to the clinical data presented in the literature, this alteration is expected to result in loss of function by premature protein truncation or nonsense-mediated mRNA decay. Loss-of-function variants in SMARCB1 are known to cause rhabdoid tumor predisposition syndrome; however, such associations with neurodevelopmental disorders are exceedingly rare (Kosho T et al. Am J Med Genet C Semin Med Genet. 2014 Sep;166C(3):262-75; Eaton KW et al. Pediatr Blood Cancer. 2011 Jan;56(1):7-15). Based on the supporting evidence, this alteration is pathogenic for SMARCB1-related tumor predisposition syndrome; however, the association of this alteration with Coffin-Siris syndrome is unlikely.

Labcorp Genetics (formerly Invitae), Labcorp
Classification: Pathogenic. Last evaluated: 2023-03-18. Review status: criteria provided, single submitter. Criteria: Invitae Variant Classification Sherloc (09022015). Collection method: clinical testing. Allele origin: germline.
Comment: This sequence change creates a premature translational stop signal (p.Gln12*) in the SMARCB1 gene. It is expected to result in an absent or disrupted protein product. Loss-of-function variants in SMARCB1 are known to be pathogenic (PMID: 10521299, 21208904). This variant is not present in population databases (gnomAD no frequency). This premature translational stop signal has been observed in individual(s) with SMARCB1-related schwannomatosis (PMID: 17357086). ClinVar contains an entry for this variant (Variation ID: 8026). For these reasons, this variant has been classified as Pathogenic.

OMIM
Classification: Pathogenic for SCHWANNOMATOSIS 1. Last evaluated: 2007-04-01. Review status: no assertion criteria provided. Collection method: literature only. Allele origin: germline. Not counted in ClinVar's aggregate classification.

Literature cited by the submitters: PubMed 17357086 (cited by 3 submitters); PubMed 21255467 (cited by Ambry Genetics); PubMed 22434358 (cited by Ambry Genetics); PubMed 24740647 (cited by Ambry Genetics); PubMed 29409008 (cited by Ambry Genetics); PubMed 10521299 (cited by Labcorp Genetics (formerly Invitae), Labcorp); PubMed 21208904 (cited by Labcorp Genetics (formerly Invitae), Labcorp).